The following is an entry in ClinVar:

NM_152327.5(AK7):c.1845C>A (p.Asp615Glu)

Gene: AK7 (adenylate kinase 7; plus strand). Cytogenetic location: 14q32.2.
Variant type: single nucleotide variant.
Coding change: c.1845C>A on transcript NM_152327.5 (MANE Select); coding-DNA position 1845, C replaced by A.
Protein change: p.Asp615Glu; replaces aspartic acid 615 with glutamic acid.
Molecular consequence: missense variant.
Genome position (GRCh38, 1-based): chr14:96,483,090, C>A. VCF-style: chr14-96483090-C-A. GRCh37 (hg19) VCF-style: chr14-96949427-C-A.
Other names: c.1776C>A, p.Asp592Glu (NM_001350888.2, NM_001350890.2); c.1767C>A, p.Asp589Glu (NM_001350891.2); c.1647C>A, p.Asp549Glu (NM_001350892.2); short protein forms D589E, D615E, D549E, D592E.
Identifiers: ClinVar variation 2181749 (VCV002181749.2), dbSNP rs199616462, ClinGen allele CA7337980.

ClinVar aggregate classification (germline): Uncertain significance (1 of 4 stars; one submission).

Allele frequency attached by ClinVar (database versions not stated): TOPMed 0.00005; ESP Exome Variant Server 0.00015; 1000 Genomes Project 30x 0.00016; 1000 Genomes Project 0.00020.
gnomAD v4.1: 152 of 1,614,110 alleles (0.0094%); highest among the groups gnomAD compares: Non-Finnish European, 0.012%; no homozygotes.

Submission:

Labcorp Genetics (formerly Invitae), Labcorp
Classification: Uncertain significance. Last evaluated: 2023-07-14. Review status: criteria provided, single submitter. Criteria: Invitae Variant Classification Sherloc (09022015). Collection method: clinical testing. Allele origin: germline.
Comment: This sequence change replaces aspartic acid, which is acidic and polar, with glutamic acid, which is acidic and polar, at codon 615 of the AK7 protein (p.Asp615Glu). This variant is present in population databases (rs199616462, gnomAD 0.004%). This variant has not been reported in the literature in individuals affected with AK7-related conditions. ClinVar contains an entry for this variant (Variation ID: 2181749). Advanced modeling of protein sequence and biophysical properties (such as structural, functional, and spatial information, amino acid conservation, physicochemical variation, residue mobility, and thermodynamic stability) performed at Invitae indicates that this missense variant is not expected to disrupt AK7 protein function. In summary, the available evidence is currently insufficient to determine the role of this variant in disease. Therefore, it has been classified as a Variant of Uncertain Significance.